The following is an entry in ClinVar:

ClinVar aggregate classification (germline): Conflicting classifications of pathogenicity. Review status: criteria provided, conflicting classifications (1 of 4 stars). 4 submissions from 4 submitters: Likely pathogenic (1); Uncertain significance (2). 1 of the submissions does not count toward it. Last evaluated 2023-07-08.

Conditions:
Glutaric acidemia type 2C.
Multiple acyl-CoA dehydrogenase deficiency (MADD). Also called: ETHYLMALONIC-ADIPICACIDURIA; GA II; Glutaric aciduria, type 2; Glutaric acidemia type II; GA 2; Glutaric Acidemia type 2. Identifiers: Orphanet 26791, MedGen C0268596, MONDO:0009282, OMIM 231680.

Allele frequency attached by ClinVar (database versions not stated): ExAC 0.00001; gnomAD 0.00001; gnomAD exomes 0.00001; TOPMed 0.00001; ESP Exome Variant Server 0.00008.
gnomAD v4.1: 6 of 1,612,874 alleles (0.00037%); highest among the groups gnomAD compares: Non-Finnish European, 0.00051%; no homozygotes.

Submissions (4):

Baylor Genetics
Classification: Likely pathogenic for Multiple acyl-CoA dehydrogenase deficiency. Last evaluated: 2023-07-08. Review status: criteria provided, single submitter. Criteria: ACMG Guidelines, 2015. Collection method: clinical testing. Allele origin: unknown.

Labcorp Genetics (formerly Invitae), Labcorp
Classification: Uncertain significance for Multiple acyl-CoA dehydrogenase deficiency. Last evaluated: 2023-03-28. Review status: criteria provided, single submitter. Criteria: Invitae Variant Classification Sherloc (09022015). Collection method: clinical testing. Allele origin: germline.
Comment: This sequence change replaces alanine, which is neutral and non-polar, with threonine, which is neutral and polar, at codon 245 of the ETFDH protein (p.Ala245Thr). This variant is present in population databases (rs371260517, gnomAD 0.003%). This missense change has been observed in individual(s) with pediatric hypertrophic cardiomyopathy (PMID: 32746448). In summary, the available evidence is currently insufficient to determine the role of this variant in disease. Therefore, it has been classified as a Variant of Uncertain Significance. Advanced modeling of protein sequence and biophysical properties (such as structural, functional, and spatial information, amino acid conservation, physicochemical variation, residue mobility, and thermodynamic stability) performed at Invitae indicates that this missense variant is not expected to disrupt ETFDH protein function. ClinVar contains an entry for this variant (Variation ID: 203716).

GeneDx
Classification: Uncertain significance. Last evaluated: 2016-10-27. Review status: criteria provided, single submitter. Criteria: GeneDx Variant Classification (06012015). Collection method: clinical testing. Allele origin: germline. Affected: yes.
Comment: p.Ala245Thr (GCA>ACA): c.733 G>A in exon 7 of the ETFDH gene (NM_004453.2) An A245T variant that is likely pathogenic was identified in the ETFDH gene. It has not been published as a pathogenic mutation, nor has it been reported as a benign polymorphism to our knowledge. The A245T variant is a non-conservative amino acid substitution, which is likely to impact secondary protein structure as these residues differ in polarity, charge, size and/or other properties. This substitution occurs at a position that is conserved in mammals. In silico analysis predicts this variant is probably damaging to the protein structure/function. Therefore, the A245T variant is a strong candidate for a pathogenic variant, however the possibility that it is a benign variant cannot be excluded. The variant is found in MITONUC-MITOP,UCD-MET panel(s).

Natera, Inc.
Classification: Uncertain significance for Glutaric acidemia type 2C. Last evaluated: 2021-07-26. Review status: no assertion criteria provided. Collection method: clinical testing. Allele origin: germline. Not counted in ClinVar's aggregate classification.

Literature cited by the submitters: PubMed 32746448 (cited by Labcorp Genetics (formerly Invitae), Labcorp).

NM_004453.4(ETFDH):c.733G>A (p.Ala245Thr)

Gene: ETFDH (electron transfer flavoprotein dehydrogenase; plus strand). Cytogenetic location: 4q32.1.
Variant type: single nucleotide variant.
Coding change: c.733G>A on transcript NM_004453.4 (MANE Select); coding-DNA position 733, G replaced by A.
Protein change: p.Ala245Thr; replaces alanine 245 with threonine.
Molecular consequence: missense variant.
Genome position (GRCh38, 1-based): chr4:158,695,545, G>A. VCF-style: chr4-158695545-G-A. GRCh37 (hg19) VCF-style: chr4-159616697-G-A.
Other names: p.A245T:GCA>ACA; c.592G>A, p.Ala198Thr (NM_001281737.2); c.550G>A, p.Ala184Thr (NM_001281738.1); short protein forms A245T, A184T, A198T.
Identifiers: ClinVar variation 203716 (VCV000203716.8), dbSNP rs371260517, ClinGen allele CA312531.